The following is an entry in ClinVar:

NM_001379500.1(COL18A1):c.2719G>A (p.Glu907Lys)

Genes: COL18A1 (collagen type XVIII alpha 1 chain; plus strand), SLC19A1 (solute carrier family 19 member 1; minus strand). Cytogenetic location: 21q22.3.
Variant type: single nucleotide variant.
Coding change: c.2719G>A on transcript NM_001379500.1 (MANE Select); coding-DNA position 2719, G replaced by A.
Protein change: p.Glu907Lys; replaces glutamic acid 907 with lysine.
Molecular consequence: missense variant.
Genome position (GRCh38, 1-based): chr21:45,504,046, G>A. VCF-style: chr21-45504046-G-A. GRCh37 (hg19) VCF-style: chr21-46923960-G-A.
Other names: c.3259G>A, p.Glu1087Lys (NM_030582.4); c.3964G>A, p.Glu1322Lys (NM_130444.3); short protein forms E1087K, E907K, E1322K.
Identifiers: ClinVar variation 1362662 (VCV001362662.6), dbSNP rs2146069905, ClinGen allele CA410499056.

ClinVar aggregate classification (germline): Uncertain significance (1 of 4 stars; one submission).

Submission:

Labcorp Genetics (formerly Invitae), Labcorp
Classification: Uncertain significance. Last evaluated: 2021-06-19. Review status: criteria provided, single submitter. Criteria: Invitae Variant Classification Sherloc (09022015). Collection method: clinical testing. Allele origin: germline.
Comment: In summary, the available evidence is currently insufficient to determine the role of this variant in disease. Therefore, it has been classified as a Variant of Uncertain Significance. This variant has not been reported in the literature in individuals affected with COL18A1-related conditions. This variant is not present in population databases (ExAC no frequency). This sequence change replaces glutamic acid with lysine at codon 907 of the COL18A1 protein (p.Glu907Lys). There is a small physicochemical difference between glutamic acid and lysine.